The following is an entry in ClinVar:

NM_003737.4(DCHS1):c.7689A>C (p.Glu2563Asp)

Gene: DCHS1 (dachsous cadherin-related 1; minus strand). Cytogenetic location: 11p15.4.
Variant type: single nucleotide variant.
Coding change: c.7689A>C on transcript NM_003737.4 (MANE Select); coding-DNA position 7689, A replaced by C.
Protein change: p.Glu2563Asp; replaces glutamic acid 2563 with aspartic acid.
Molecular consequence: missense variant.
Genome position (GRCh38, 1-based): chr11:6,623,987, T>G on the plus strand (A>C on the coding strand, the complement: DCHS1 is on the minus strand). VCF-style: chr11-6623987-T-G. GRCh37 (hg19) VCF-style: chr11-6645218-T-G.
Other names: short protein forms E2563D.
Identifiers: ClinVar variation 4799055 (VCV004799055.1).

ClinVar aggregate classification (germline): Uncertain significance (1 of 4 stars; one submission).

gnomAD v4.1: 2 of 1,611,678 alleles (0.00012%); highest among the groups gnomAD compares: Admixed American, 0.0017%; no homozygotes.

Submission:

Labcorp Genetics (formerly Invitae), Labcorp
Classification: Uncertain significance. Last evaluated: 2025-03-16. Review status: criteria provided, single submitter. Criteria: Invitae Variant Classification Sherloc (09022015). Collection method: clinical testing. Allele origin: germline.
Comment: This sequence change replaces glutamic acid, which is acidic and polar, with aspartic acid, which is acidic and polar, at codon 2563 of the DCHS1 protein (p.Glu2563Asp). This variant is present in population databases (no rsID available, gnomAD 0.003%). This variant has not been reported in the literature in individuals affected with DCHS1-related conditions. Invitae Evidence Modeling of protein sequence and biophysical properties (such as structural, functional, and spatial information, amino acid conservation, physicochemical variation, residue mobility, and thermodynamic stability) indicates that this missense variant is not expected to disrupt DCHS1 protein function with a negative predictive value of 80%. In summary, the available evidence is currently insufficient to determine the role of this variant in disease. Therefore, it has been classified as a Variant of Uncertain Significance.